The following is an entry in ClinVar:

ClinVar aggregate classification (germline): Likely benign. Review status: criteria provided, multiple submitters, no conflicts (2 of 4 stars). 2 submissions from 2 submitters: Likely benign (2). Last evaluated 2026-04-01.

Conditions:
Autosomal recessive ataxia, Beauce type. Also called: ATAXIA, RECESSIVE, OF BEAUCE; SYNE1-Related Autosomal Recessive Cerebellar Ataxia; Spinocerebellar ataxia, autosomal recessive 8; SYNE1 Deficiency. Identifiers: Orphanet 88644, MedGen C1853116, MONDO:0012549, OMIM 610743.
Emery-Dreifuss muscular dystrophy 4, autosomal dominant (EDMD4). Also called: EMERY-DREIFUSS MUSCULAR DYSTROPHY 4 WITH VARIABLE FEATURES. Identifiers: Orphanet 261, MedGen C2751807, MONDO:0013071, OMIM 612998.

Allele frequency attached by ClinVar (database versions not stated): gnomAD exomes 0.00001; ExAC 0.00002; gnomAD 0.00004 and 0.00005; TOPMed 0.00010; 1000 Genomes Project 30x 0.00016.
gnomAD v4.1: 15 of 1,614,160 alleles (0.00093%); highest among the groups gnomAD compares: African/African-American, 0.016%; no homozygotes.

Submissions (2):

CeGaT Center for Human Genetics Tuebingen
Classification: Likely benign. Last evaluated: 2026-04-01. Review status: criteria provided, single submitter. Criteria: CeGaT Center For Human Genetics Tuebingen Variant Classification Criteria Version 2. Collection method: clinical testing. Allele origin: germline. Affected: yes. Observed: 1 variant allele.
Comment: SYNE1: BP4, BP7

Labcorp Genetics (formerly Invitae), Labcorp
Classification: Likely benign for Emery-Dreifuss muscular dystrophy 4, autosomal dominant; Autosomal recessive ataxia, Beauce type. Last evaluated: 2024-04-10. Review status: criteria provided, single submitter. Criteria: Invitae Variant Classification Sherloc (09022015). Collection method: clinical testing. Allele origin: germline.

NM_182961.4(SYNE1):c.15510G>A (p.Glu5170=)

Gene: SYNE1 (spectrin repeat containing nuclear envelope protein 1; minus strand). Cytogenetic location: 6q25.2.
Variant type: single nucleotide variant.
Coding change: c.15510G>A on transcript NM_182961.4 (MANE Select); coding-DNA position 15510, G replaced by A.
Protein change: p.Glu5170=; no amino-acid change (glutamic acid 5170 retained).
Molecular consequence: synonymous variant.
Genome position (GRCh38, 1-based): chr6:152,325,231, C>T on the plus strand (G>A on the coding strand, the complement: SYNE1 is on the minus strand). VCF-style: chr6-152325231-C-T. GRCh37 (hg19) VCF-style: chr6-152646366-C-T.
Other names: c.15297G>A, p.Glu5099= (NM_033071.5).
Identifiers: ClinVar variation 1617084 (VCV001617084.10), dbSNP rs763638514, ClinGen allele CA4055764.